The following is an entry in ClinVar:

ClinVar aggregate classification (germline): Uncertain significance. Review status: criteria provided, multiple submitters, no conflicts (2 of 4 stars). 2 submissions from 2 submitters: Uncertain significance (2). Last evaluated 2026-02-09.

Conditions:
PLXNA1-related disorder. Also called: PLXNA1-related condition.

Allele frequency attached by ClinVar (database versions not stated): ESP Exome Variant Server 0.00016.
gnomAD v4.1: 136 of 1,592,988 alleles (0.0085%); highest among the groups gnomAD compares: South Asian, 0.053%; 1 homozygote.

Submissions (2):

PreventionGenetics, part of Exact Sciences
Classification: Uncertain significance for PLXNA1-related condition. Last evaluated: 2026-02-09. Review status: criteria provided, single submitter. Criteria: ACMG Guidelines, 2015. Collection method: clinical testing. Allele origin: germline.
Comment: The PLXNA1 c.2587G>A variant is predicted to result in the amino acid substitution p.Asp863Asn. To our knowledge, this variant has not been reported in the literature in patients with PLXNA1-associated disorders. This variant is reported in 0.032% of alleles in individuals of South Asian descent in gnomAD. At this time, the clinical significance of this variant is uncertain due to the absence of conclusive functional and genetic evidence.

Ambry Genetics
Classification: Uncertain significance. Last evaluated: 2025-05-18. Review status: criteria provided, single submitter. Criteria: Ambry Variant Classification Scheme 2023. Collection method: clinical testing. Allele origin: germline.

NM_032242.4(PLXNA1):c.2587G>A (p.Asp863Asn)

Gene: PLXNA1 (plexin A1; plus strand). Cytogenetic location: 3q21.3.
Variant type: single nucleotide variant.
Coding change: c.2587G>A on transcript NM_032242.4 (MANE Select); coding-DNA position 2587, G replaced by A.
Protein change: p.Asp863Asn; replaces aspartic acid 863 with asparagine.
Molecular consequence: missense variant.
Genome position (GRCh38, 1-based): chr3:127,014,358, G>A. VCF-style: chr3-127014358-G-A. GRCh37 (hg19) VCF-style: chr3-126733201-G-A.
Other names: short protein forms D863N.
Identifiers: ClinVar variation 2634141 (VCV002634141.4), dbSNP rs367569800, ClinGen allele CA2593672.